The following is an entry in ClinVar:

NM_001354604.2(MITF):c.1380C>G (p.Asn460Lys)

Gene: MITF (melanocyte inducing transcription factor; plus strand). Cytogenetic location: 3p13.
Variant type: single nucleotide variant.
Coding change: c.1380C>G on transcript NM_001354604.2 (MANE Select); coding-DNA position 1380, C replaced by G.
Protein change: p.Asn460Lys; replaces asparagine 460 with lysine.
Molecular consequence: missense variant.
Genome position (GRCh38, 1-based): chr3:69,965,047, C>G. VCF-style: chr3-69965047-C-G. GRCh37 (hg19) VCF-style: chr3-70014198-C-G.
Other names: c.1059C>G, p.Asn353Lys (NM_000248.4); c.1206C>G, p.Asn402Lys (NM_001184967.2, NM_001354608.2); c.1377C>G, p.Asn459Lys (NM_001354605.2); c.1359C>G, p.Asn453Lys (NM_001354606.2, NM_006722.3); c.1311C>G, p.Asn437Lys (NM_001354607.2); c.1041C>G, p.Asn347Lys (NM_198158.3); c.1362C>G, p.Asn454Lys (NM_198159.3); c.1314C>G, p.Asn438Lys (NM_198177.3); and 1 more; short protein forms N402K, N453K, N353K, N437K, N291K, N454K, N460K, N347K.
Identifiers: ClinVar variation 4108285 (VCV004108285.1).

ClinVar aggregate classification (germline): Uncertain significance (1 of 4 stars; one submission).

Conditions:
Hereditary cancer-predisposing syndrome. Also called: Tumor predisposition; Neoplastic Syndromes, Hereditary; Hereditary neoplastic syndrome; Hereditary Cancer Syndrome. Identifiers: Orphanet 140162, MedGen C0027672, MeSH D009386, MONDO:0015356.

Submission:

Ambry Genetics
Classification: Uncertain significance for Hereditary cancer-predisposing syndrome. Last evaluated: 2025-07-10. Review status: criteria provided, single submitter. Criteria: Ambry Variant Classification Scheme 2023. Collection method: clinical testing. Allele origin: germline.
Comment: The p.N353K variant (also known as c.1059C>G), located in coding exon 9 of the MITF gene, results from a C to G substitution at nucleotide position 1059. The asparagine at codon 353 is replaced by lysine, an amino acid with similar properties. This amino acid position is conserved. In addition, this alteration is predicted to be tolerated by in silico analysis. Based on the available evidence, the clinical significance of this variant remains unclear.